The following is an entry in ClinVar:

NM_080732.4(EGLN2):c.831C>G (p.Asn277Lys)

Genes: EGLN2 (egl-9 family hypoxia inducible factor 2; plus strand), RAB4B-EGLN2 (RAB4B-EGLN2 readthrough (NMD candidate); plus strand). Cytogenetic location: 19q13.2.
Variant type: single nucleotide variant.
Coding change: c.831C>G on transcript NM_080732.4 (MANE Select); coding-DNA position 831, C replaced by G.
Protein change: p.Asn277Lys; replaces asparagine 277 with lysine.
Molecular consequence: missense variant. On other transcripts: non-coding transcript variant (1).
Genome position (GRCh38, 1-based): chr19:40,801,403, C>G. VCF-style: chr19-40801403-C-G. GRCh37 (hg19) VCF-style: chr19-41307308-C-G.
Other names: c.831C>G, p.Asn277Lys (NM_053046.4); short protein forms N277K.
Identifiers: ClinVar variation 1762901 (VCV001762901.3), dbSNP rs35828660, ClinGen allele CA9452317.

ClinVar aggregate classification (germline): Uncertain significance (1 of 4 stars; one submission).

Submission:

Ambry Genetics
Classification: Uncertain significance. Last evaluated: 2023-08-29. Review status: criteria provided, single submitter. Criteria: Ambry Variant Classification Scheme 2023. Collection method: clinical testing. Allele origin: germline.
Comment: The p.N277K variant (also known as c.831C>G), located in coding exon 1 of the EGLN2 gene, results from a C to G substitution at nucleotide position 831. The asparagine at codon 277 is replaced by lysine, an amino acid with similar properties. This amino acid position is conserved. In addition, this alteration is predicted to be tolerated by in silico analysis. Since supporting evidence is limited at this time, the clinical significance of this alteration remains unclear.